The following is an entry in ClinVar:

ClinVar aggregate classification (germline): Conflicting classifications of pathogenicity. Review status: criteria provided, conflicting classifications (1 of 4 stars). 4 submissions from 4 submitters: Uncertain significance (2); Likely benign (2). Last evaluated 2026-04-02.

Conditions:
Hereditary cancer-predisposing syndrome. Also called: Hereditary Cancer Syndrome; Tumor predisposition; Hereditary neoplastic syndrome; Neoplastic Syndromes, Hereditary. Identifiers: Orphanet 140162, MedGen C0027672, MeSH D009386, MONDO:0015356.
Oligodontia-cancer predisposition syndrome. Also called: TOOTH AGENESIS-COLORECTAL CANCER SYNDROME. Identifiers: Orphanet 300576, MedGen C1837750, MONDO:0012075, OMIM 608615. Disease mechanism: loss of function.

Allele frequency attached by ClinVar (database versions not stated): gnomAD exomes below 0.00001.
gnomAD v4.1: 3 of 1,610,710 alleles (0.00019%); highest among the groups gnomAD compares: Non-Finnish European, 0.00017%; no homozygotes.

Submissions (4):

Dasa
Classification: Likely benign. Last evaluated: 2026-04-02. Review status: criteria provided, single submitter. Criteria: DASA Assertion Criteria. Collection method: clinical testing. Allele origin: germline.
Comment: NM_004655.4(AXIN2):c.1472C>T (p.Ala491Val) is a missense variant that results in the substitution of alanine with valine. The variant context is inconsistent with a known disease-causing mechanism. Computational prediction algorithms are consistent with a benign effect. Therefore, based on the currently available evidence, this variant is classified as likely benign.

Labcorp Genetics (formerly Invitae), Labcorp
Classification: Uncertain significance for Oligodontia-cancer predisposition syndrome. Last evaluated: 2026-01-15. Review status: criteria provided, single submitter. Criteria: Invitae Variant Classification Sherloc (09022015). Collection method: clinical testing. Allele origin: germline.
Comment: This sequence change replaces alanine, which is neutral and non-polar, with valine, which is neutral and non-polar, at codon 491 of the AXIN2 protein (p.Ala491Val). This variant is not present in population databases (gnomAD no frequency). This variant has not been reported in the literature in individuals affected with AXIN2-related conditions. ClinVar contains an entry for this variant (Variation ID: 419693). An algorithm developed to predict the effect of missense changes on protein structure and function outputs the following: PolyPhen-2: "Benign". The valine amino acid residue is found in multiple mammalian species, which suggests that this missense change does not adversely affect protein function. In summary, the available evidence is currently insufficient to determine the role of this variant in disease. Therefore, it has been classified as a Variant of Uncertain Significance.

GeneDx
Classification: Uncertain significance. Last evaluated: 2025-05-05. Review status: criteria provided, single submitter. Criteria: GeneDx Variant Classification Process June 2021. Collection method: clinical testing. Allele origin: germline. Affected: yes.
Comment: Not observed at significant frequency in large population cohorts (gnomAD); In silico analysis suggests that this missense variant does not alter protein structure/function; Has not been previously published as pathogenic or benign to our knowledge

Ambry Genetics
Classification: Likely benign for Hereditary cancer-predisposing syndrome. Last evaluated: 2024-08-01. Review status: criteria provided, single submitter. Criteria: Ambry Variant Classification Scheme 2023. Collection method: clinical testing. Allele origin: germline.

NM_004655.4(AXIN2):c.1472C>T (p.Ala491Val)

Gene: AXIN2 (axin 2; minus strand). Cytogenetic location: 17q24.1.
Variant type: single nucleotide variant.
Coding change: c.1472C>T on transcript NM_004655.4 (MANE Select); coding-DNA position 1472, C replaced by T.
Protein change: p.Ala491Val; replaces alanine 491 with valine.
Molecular consequence: missense variant.
Genome position (GRCh38, 1-based): chr17:65,537,564, G>A on the plus strand (C>T on the coding strand, the complement: AXIN2 is on the minus strand). VCF-style: chr17-65537564-G-A. GRCh37 (hg19) VCF-style: chr17-63533682-G-A.
Other names: c.1472C>T (LRG_296t1); c.1472C>T, p.Ala491Val (NM_001363813.1); short protein forms A491V.
Identifiers: ClinVar variation 419693 (VCV000419693.16), dbSNP rs1064794048, ClinGen allele CA16620569.